The following is an entry in ClinVar:

ClinVar aggregate classification (germline): Uncertain significance (1 of 4 stars; one submission).

gnomAD v4.1: 3 of 1,602,060 alleles (0.00019%); highest among the groups gnomAD compares: South Asian, 0.0022%; no homozygotes.

Submission:

Ambry Genetics
Classification: Uncertain significance. Last evaluated: 2025-05-15. Review status: criteria provided, single submitter. Criteria: Ambry Variant Classification Scheme 2023. Collection method: clinical testing. Allele origin: germline.
Comment: The p.D421Y variant (also known as c.1261G>T), located in coding exon 13 of the SRP72 gene, results from a G to T substitution at nucleotide position 1261. The aspartic acid at codon 421 is replaced by tyrosine, an amino acid with highly dissimilar properties. This amino acid position is conserved. In addition, this alteration is predicted to be deleterious by in silico analysis. Based on the available evidence, the clinical significance of this variant remains unclear.

NM_006947.4(SRP72):c.1261G>T (p.Asp421Tyr)

Gene: SRP72 (signal recognition particle 72; plus strand). Cytogenetic location: 4q12.
Variant type: single nucleotide variant.
Coding change: c.1261G>T on transcript NM_006947.4 (MANE Select); coding-DNA position 1261, G replaced by T.
Protein change: p.Asp421Tyr; replaces aspartic acid 421 with tyrosine.
Molecular consequence: missense variant. On other transcripts: non-coding transcript variant (1).
Genome position (GRCh38, 1-based): chr4:56,489,424, G>T. VCF-style: chr4-56489424-G-T. GRCh37 (hg19) VCF-style: chr4-57355590-G-T.
Other names: c.1078G>T, p.Asp360Tyr (NM_001267722.2); short protein forms D360Y, D421Y.
Identifiers: ClinVar variation 3962101 (VCV003962101.1).